The following continues an entry in ClinVar:

NM_000053.4(ATP7B):c.3305T>C (p.Ile1102Thr)

Gene: ATP7B. ClinVar aggregate classification (germline): Pathogenic/Likely pathogenic. Pathogenic (11); Likely pathogenic (2).

Submissions 13 to 16 of 16:

Neuberg Centre For Genomic Medicine, NCGM
Classification: Pathogenic for Wilson disease. Review status: criteria provided, single submitter. Criteria: ACMG Guidelines, 2015. Collection method: clinical testing. Allele origin: germline. Inheritance: Autosomal recessive inheritance. Affected: yes.
Comment: The missense c.3305T>Cp.Ile1102Thr variant in ATP7B gene has been reported previously in homozygous or compound heterozygous state in individuals affected with Wilson disease Dastsooz et al., 2013. Experimental studies have shown that this missense change affects ATP7B function Luoma et al., 2010. This variant is reported with the allele frequency of 0.002% in the gnomAD Exomes and novel in 1000 Genomes. This variant has been reported to the ClinVar database as Likely Pathogenic / Pathogenic multiple submitters. The amino acid Ile at position 1102 is changed to a Thr changing protein sequence and it might alter its composition and physico-chemical properties. The amino acid change p.Ile1102Thr in ATP7B is predicted as conserved by GERP++ and PhyloP across 100 vertebrates. The variant is predicted as damaging by SIFT. For these reasons, this variant has been classified as Pathogenic.

Counsyl
Classification: Pathogenic for Wilson disease. Last evaluated: 2015-09-24. Review status: no assertion criteria provided. Collection method: clinical testing. Allele origin: unknown. Not counted in ClinVar's aggregate classification.

Foundation for Research in Genetics and Endocrinology, FRIGE's Institute of Human Genetics
Classification: Likely pathogenic for Wilson disease. Review status: no assertion criteria provided. Collection method: clinical testing. Allele origin: germline. Inheritance: Autosomal recessive inheritance. Affected: yes. Observed: 1 variant allele, 1 homozygote. Not counted in ClinVar's aggregate classification.
Comment: The observed mutation is reported in 1000 genomes and ExAC databases. Its dbSNP reference number is rs560952220. The in silico prediction of the observed mutation is disease-causing by Mutationtaster2 and probably damaging by PolyPhen2 and SIFT.

Chongqing Key Laboratory of Child Rare Diseases in Infection and Immunity, Children’s Hospital of Chongqing Medical University
Classification: Uncertain significance for Wilson disease. Last evaluated: 2024-01-01. Review status: flagged submission. Criteria: ACMG Guidelines, 2015. Collection method: clinical testing. Allele origin: germline. Inheritance: Autosomal recessive inheritance. Affected: yes. Not counted in ClinVar's aggregate classification.
Comment: Classified as Uncertain significance according to the ACMG/AMP 2015 guidelines (PMID:25741868). The classification was based on the available submitted evidence for Wilson disease (OMIM:277900), including clinical-testing observations, variant consequence/protein annotation, and published or ClinVar evidence where available. Supporting information considered: variant annotation: p.Ile1102Thr; Missense; Protein domain: N-domain-enriched; submitted notation: NM_000053.4:c.3305T>C (p.Ile1102Thr); source variant type: Missense; source domain: N-domain-enriched; allele count n=230: 1.
ClinVar note: Reason: Outlier claim with insufficient supporting evidence

Literature cited by the submitters: PubMed 7626145 (cited by 5 submitters); PubMed 24003324 (cited by 6 submitters); PubMed 30980273 (cited by 3 submitters); PubMed 20333758 (cited by 6 submitters); PubMed 12885331 (cited by 3 submitters); PubMed 11243728 (cited by 5 submitters); PubMed 23518715 (cited by 5 submitters); PubMed 10981891 (cited by 3 submitters); PubMed 16195917 (cited by All of Us Research Program, National Institutes of Health); PubMed 17160357 (cited by 5 submitters); PubMed 24094725 (cited by All of Us Research Program, National Institutes of Health); PubMed 30120852 (cited by All of Us Research Program, National Institutes of Health); PubMed 35245129 (cited by All of Us Research Program, National Institutes of Health); PubMed 36096368 (cited by Victorian Clinical Genetics Services, Murdoch Childrens Research Institute); PubMed 11216666 (cited by Mayo Clinic Laboratories, Mayo Clinic and Women's Health and Genetics/Laboratory Corporation of America, LabCorp); PubMed 34400371 (cited by Mayo Clinic Laboratories, Mayo Clinic); PubMed 24253677 (cited by Counsyl); PubMed 17823867 (cited by Counsyl); PubMed 22692182 (cited by Counsyl).